The following is an entry in ClinVar:

NM_000187.4(HGD):c.587C>T (p.Thr196Ile)

Gene: HGD (homogentisate 1,2-dioxygenase; minus strand). Cytogenetic location: 3q13.33.
Variant type: single nucleotide variant.
Coding change: c.587C>T on transcript NM_000187.4 (MANE Select); coding-DNA position 587, C replaced by T.
Protein change: p.Thr196Ile; replaces threonine 196 with isoleucine.
Molecular consequence: missense variant.
Genome position (GRCh38, 1-based): chr3:120,646,329, G>A on the plus strand (C>T on the coding strand, the complement: HGD is on the minus strand). VCF-style: chr3-120646329-G-A. GRCh37 (hg19) VCF-style: chr3-120365176-G-A.
Other names: short protein forms T196I.
Identifiers: ClinVar variation 1264350 (VCV001264350.5), dbSNP rs781491692, ClinGen allele CA2560149.
Genomic context (GRCh38, chr3:120,646,329, plus strand): 5'-ATTGGTCCAAGGTCAGGTAACTCAAAGTGGACACCATAGACCTCCAAGATGTAGCCCCTG[G>A]TCTCCTCAAAGACATCTATGCTGAACCGCATTCCTCTCTGGAATGGAAAGCAGACACTGG-3'
Protein context (NP_000178.2, residues 186-206): MRFSIDVFEE[Thr196Ile]RGYILEVYGV

ClinVar aggregate classification (germline): Uncertain significance. Review status: criteria provided, multiple submitters, no conflicts (2 of 4 stars). 4 submissions from 4 submitters: Uncertain significance (3). 1 of the submissions does not count toward it. Last evaluated 2026-05-29.

Conditions:
Alkaptonuria (AKU). Also called: Homogentisic acidura; Alkaptonuric ochronosis; HOMOGENTISIC ACID OXIDASE DEFICIENCY; Alcaptonuria. Identifiers: Orphanet 56, MedGen C0002066, MONDO:0008753, OMIM 203500.

Allele frequency attached by ClinVar (database versions not stated): gnomAD exomes below 0.00001 and 0.00002; gnomAD 0.00001; TOPMed 0.00002; ExAC 0.00003.
gnomAD v4.1: 4 of 1,613,480 alleles (0.00025%); highest among the groups gnomAD compares: East Asian, 0.0022%; no homozygotes.

Submissions (4):

Myriad Genetics, Inc.
Classification: Uncertain significance for Alkaptonuria. Last evaluated: 2026-05-29. Review status: criteria provided, single submitter. Criteria: Myriad Autosomal Dominant, Autosomal Recessive and X-Linked Classification Criteria (2023). Collection method: clinical testing. Allele origin: unknown.
Comment: NM_000187.3(HGD):c.587C>T(T196I) is a missense variant classified as a variant of uncertain significance in the context of alkaptonuria. T196I has been observed in a case with relevant disease (PMID: 34686677). Relevant functional assessments of this variant are not available in the literature. T196I has been observed in referenced population frequency databases. In summary, there is insufficient evidence to classify NM_000187.3(HGD):c.587C>T(T196I) as pathogenic or benign. Please note: this variant was assessed in the context of healthy population screening.

Fulgent Genetics
Classification: Uncertain significance for Alkaptonuria. Last evaluated: 2024-04-03. Review status: criteria provided, single submitter. Criteria: ACMG Guidelines, 2015. Collection method: clinical testing. Allele origin: germline.

Juno Genomics, Hangzhou Juno Genomics, Inc
Classification: Uncertain significance for Alkaptonuria. Review status: criteria provided, single submitter. Criteria: ACMG Guidelines, 2015. Collection method: clinical testing. Allele origin: germline. Affected: yes.
Comment: Absent from controls (or at extremely low frequency if recessive) in Genome Aggregation Database, Exome Sequencing Project, 1000 Genomes Project, or Exome Aggregation Consortium.;Multiple lines of computational evidence support a deleterious effect on the gene or gene product (conservation, evolutionary, splicing impact, etc).;For recessive disorders, detected in trans with a pathogenic variant.;Patient's phenotype or family history is highly specific for a disease with a single genetic etiology.

Biochemical Genetics Laboratory, National Taiwan University
Classification: Likely pathogenic for Alkaptonuria. Review status: no assertion criteria provided. Collection method: research. Allele origin: unknown. Affected: yes. Not counted in ClinVar's aggregate classification.

Literature cited by the submitters: PubMed 34686677 (cited by Myriad Genetics, Inc. and Biochemical Genetics Laboratory, National Taiwan University).